The following is an entry in ClinVar:

ClinVar aggregate classification (germline): Uncertain significance (1 of 4 stars; one submission).

Submission:

Ambry Genetics
Classification: Uncertain significance. Last evaluated: 2023-04-16. Review status: criteria provided, single submitter. Criteria: Ambry Variant Classification Scheme 2023. Collection method: clinical testing. Allele origin: germline.
Comment: The p.F22L variant (also known as c.66C>A), located in coding exon 1 of the BUB3 gene, results from a C to A substitution at nucleotide position 66. The phenylalanine at codon 22 is replaced by leucine, an amino acid with highly similar properties. This amino acid position is conserved. In addition, this alteration is predicted to be deleterious by in silico analysis. Since supporting evidence is limited at this time, the clinical significance of this alteration remains unclear.

NM_004725.4(BUB3):c.66C>A (p.Phe22Leu)

Genes: BUB3 (BUB3 mitotic checkpoint protein; plus strand), LOC130004885 (ATAC-STARR-seq lymphoblastoid active region 4151; plus strand). Cytogenetic location: 10q26.13.
Variant type: single nucleotide variant.
Coding change: c.66C>A on transcript NM_004725.4 (MANE Select); coding-DNA position 66, C replaced by A.
Protein change: p.Phe22Leu; replaces phenylalanine 22 with leucine.
Molecular consequence: missense variant.
Genome position (GRCh38, 1-based): chr10:123,154,983, C>A. VCF-style: chr10-123154983-C-A. GRCh37 (hg19) VCF-style: chr10-124914499-C-A.
Other names: c.66C>A, p.Phe22Leu (NM_001007793.3); short protein forms F22L.
Identifiers: ClinVar variation 2563122 (VCV002563122.2), dbSNP rs756472651, ClinGen allele CA378624872.
Genomic context (GRCh38, chr10:123,154,983, plus strand): 5'-CGGTTCTAACGAGTTCAAGCTGAACCAGCCACCCGAGGATGGCATCTCCTCCGTGAAGTT[C>A]AGCCCCAACACCTCCCAGTTCCTGCTTGTCTCCTCCTGGGACACGTCCGTGCGTCTCTAC-3'
Protein context (NP_004716.1, residues 12-32): PPEDGISSVK[Phe22Leu]SPNTSQFLLV